The following is an entry in ClinVar:

ClinVar aggregate classification (germline): Uncertain significance. Review status: criteria provided, multiple submitters, no conflicts (2 of 4 stars). 2 submissions from 2 submitters: Uncertain significance (2). Last evaluated 2024-10-20.

Conditions:
Inborn genetic diseases. Identifiers: MedGen C0950123, MeSH D030342.
Hereditary spastic paraplegia 63. Also called: Spastic paraplegia 63, autosomal recessive. Identifiers: Orphanet 401805, MedGen C3810295, MONDO:0014305, OMIM 615686.
Pontocerebellar hypoplasia type 9. Identifiers: Orphanet 369920, MedGen C4014354, MONDO:0014351, OMIM 615809.

Allele frequency attached by ClinVar (database versions not stated): gnomAD exomes below 0.00001; gnomAD 0.00002; TOPMed 0.00003.
gnomAD v4.1: 11 of 1,614,036 alleles (0.00068%); highest among the groups gnomAD compares: Admixed American, 0.0083%; no homozygotes.

Submissions (2):

Ambry Genetics
Classification: Uncertain significance for Inborn genetic diseases. Last evaluated: 2024-10-20. Review status: criteria provided, single submitter. Criteria: Ambry Variant Classification Scheme 2023. Collection method: clinical testing. Allele origin: germline.

Labcorp Genetics (formerly Invitae), Labcorp
Classification: Uncertain significance for Pontocerebellar hypoplasia type 9; Hereditary spastic paraplegia 63. Last evaluated: 2022-08-22. Review status: criteria provided, single submitter. Criteria: Invitae Variant Classification Sherloc (09022015). Collection method: clinical testing. Allele origin: germline.
Comment: This sequence change replaces valine, which is neutral and non-polar, with methionine, which is neutral and non-polar, at codon 840 of the AMPD2 protein (p.Val840Met). This variant is not present in population databases (gnomAD no frequency). Algorithms developed to predict the effect of missense changes on protein structure and function are either unavailable or do not agree on the potential impact of this missense change (SIFT: "Deleterious"; PolyPhen-2: "Probably Damaging"; Align-GVGD: "Class C0"). This variant has not been reported in the literature in individuals affected with AMPD2-related conditions. In summary, the available evidence is currently insufficient to determine the role of this variant in disease. Therefore, it has been classified as a Variant of Uncertain Significance.

NM_001368809.2(AMPD2):c.2356G>A (p.Val786Met)

Gene: AMPD2 (adenosine monophosphate deaminase 2; plus strand). Cytogenetic location: 1p13.3.
Variant type: single nucleotide variant.
Coding change: c.2356G>A on transcript NM_001368809.2 (MANE Select); coding-DNA position 2356, G replaced by A.
Protein change: p.Val786Met; replaces valine 786 with methionine.
Molecular consequence: missense variant.
Genome position (GRCh38, 1-based): chr1:109,631,030, G>A. VCF-style: chr1-109631030-G-A. GRCh37 (hg19) VCF-style: chr1-110173652-G-A.
Other names: c.2293G>A, p.Val765Met (NM_001308170.1); c.2356G>A, p.Val786Met (NM_004037.9); c.2275G>A, p.Val759Met (NM_139156.4); c.2518G>A (NM_004037.6); c.2518G>A, p.Val840Met (NM_001257360.2); c.2164G>A, p.Val722Met (NM_001257361.2); short protein forms V765M, V840M, V786M, V722M, V759M.
Identifiers: ClinVar variation 2065452 (VCV002065452.4), dbSNP rs1038283186, ClinGen allele CA28700495.
Genomic context (GRCh38, chr1:109,631,030, plus strand): 5'-TATACCAAGGAAGGCCCTGAGGGGAATGACATCCGCCGGACCAATGTGCCAGACATCCGC[G>A]TGGGCTACCGCTACGAGACCCTGTGCCAGGAGCTGGCGCTCATCACGCAGGCAGTCCAGA-3'
Protein context (NP_001355738.1, residues 776-796): IRRTNVPDIR[Val786Met]GYRYETLCQE